The following is an entry in ClinVar:

ClinVar aggregate classification (germline): Uncertain significance (1 of 4 stars; one submission).

Allele frequency attached by ClinVar (database versions not stated): gnomAD exomes below 0.00001.
gnomAD v4.1: 2 of 1,555,070 alleles (0.00013%); highest among the groups gnomAD compares: Non-Finnish European, 0.00017%; no homozygotes.

Submission:

Labcorp Genetics (formerly Invitae), Labcorp
Classification: Uncertain significance. Last evaluated: 2024-10-07. Review status: criteria provided, single submitter. Criteria: Invitae Variant Classification Sherloc (09022015). Collection method: clinical testing. Allele origin: germline.
Comment: This sequence change replaces cysteine, which is neutral and slightly polar, with phenylalanine, which is neutral and non-polar, at codon 77 of the COX20 protein (p.Cys77Phe). This variant is not present in population databases (gnomAD no frequency). This variant has not been reported in the literature in individuals affected with COX20-related conditions. ClinVar contains an entry for this variant (Variation ID: 1411796). An algorithm developed to predict the effect of missense changes on protein structure and function (PolyPhen-2) suggests that this variant is likely to be disruptive. In summary, the available evidence is currently insufficient to determine the role of this variant in disease. Therefore, it has been classified as a Variant of Uncertain Significance.

NM_198076.6(COX20):c.230G>T (p.Cys77Phe)

Gene: COX20 (cytochrome c oxidase assembly factor COX20; plus strand). Cytogenetic location: 1q44.
Variant type: single nucleotide variant.
Coding change: c.230G>T on transcript NM_198076.6 (MANE Select); coding-DNA position 230, G replaced by T.
Protein change: p.Cys77Phe; replaces cysteine 77 with phenylalanine.
Molecular consequence: missense variant. On other transcripts: 3 prime UTR variant (1), non-coding transcript variant (3).
Genome position (GRCh38, 1-based): chr1:244,843,049, G>T. VCF-style: chr1-244843049-G-T. GRCh37 (hg19) VCF-style: chr1-245006351-G-T.
Other names: c.230G>T, p.Cys77Phe (NM_001312871.1); c.266G>T, p.Cys89Phe (NM_001312872.1); c.95G>T, p.Cys32Phe (NM_001312873.1); c.*40G>T (NM_001312874.1); short protein forms C77F, C89F, C32F.
Identifiers: ClinVar variation 1411796 (VCV001411796.8), dbSNP rs2102976618, ClinGen allele CA345485143.
Genomic context (GRCh38, chr1:244,843,049, plus strand): 5'-AATTTCTGTAGGACTTTATATTAACAATTTATTCATATTCTTTTCTTCTAAGGTTTCATT[G>T]TAGGTATAATTATGCAAAGCAAAGAATCCAGGAAAGAATTGCCAGAGAAGAAATTAAAAA-3'
Protein context (NP_932342.1, residues 67-87): ILVTLGCWFH[Cys77Phe]RYNYAKQRIQ